The following is an entry in ClinVar:

NM_138801.3(GALM):c.1023G>A (p.Val341=)

Gene: GALM (galactose mutarotase; plus strand). Cytogenetic location: 2p22.1.
Variant type: single nucleotide variant.
Coding change: c.1023G>A on transcript NM_138801.3 (MANE Select); coding-DNA position 1023, G replaced by A.
Protein change: p.Val341=; no amino-acid change (valine 341 retained).
Molecular consequence: synonymous variant.
Genome position (GRCh38, 1-based): chr2:38,733,559, G>A. VCF-style: chr2-38733559-G-A. GRCh37 (hg19) VCF-style: chr2-38960701-G-A.
Identifiers: ClinVar variation 2650840 (VCV002650840.24), dbSNP rs2528712443, ClinGen allele CA425707454.

ClinVar aggregate classification (germline): Likely benign (1 of 4 stars; one submission).

Allele frequency attached by ClinVar (database versions not stated): gnomAD exomes below 0.00001.
gnomAD v4.1: 1 of 1,613,018 alleles (0.000062%); highest among the groups gnomAD compares: Non-Finnish European, 0.000085%; no homozygotes.

Submission:

CeGaT Center for Human Genetics Tuebingen
Classification: Likely benign. Last evaluated: 2023-04-01. Review status: criteria provided, single submitter. Criteria: CeGaT Center For Human Genetics Tuebingen Variant Classification Criteria Version 2. Collection method: clinical testing. Allele origin: germline. Affected: yes. Observed: 1 variant allele.
Comment: GALM: PM2:Supporting, BP4, BP7